The following is an entry in ClinVar:

NM_007294.4(BRCA1):c.4075del (p.Gln1359fs)

Genes: BRCA1 (BRCA1 DNA repair associated; minus strand), LOC126862571 (BRD4-independent group 4 enhancer GRCh37_chr17:41243136-41244335; plus strand). Cytogenetic location: 17q21.31.
Variant type: Deletion.
Coding change: c.4075del on transcript NM_007294.4 (MANE Select); coding-DNA position 4075, one base deleted (C; older notation c.4075delC).
Protein change: p.Gln1359fs; shifts the reading frame from glutamine 1359.
Molecular consequence: frameshift variant. On other transcripts: intron variant (135).
Genome position (GRCh38, 1-based): chr17:43,091,456, G deleted on the plus strand (C on the coding strand, the reverse complement: BRCA1 is on the minus strand). VCF-style (leftmost placement, unchanged base first): chr17-43091455-TG-T. GRCh37 (hg19) VCF-style: chr17-41243472-TG-T.
Other names: c.3952del, p.Gln1318fs (NM_001407675.1, NM_001407676.1, NM_001407677.1 and 19 more transcripts); c.3931del, p.Gln1311fs (NM_001407743.1, NM_001407943.1, NM_001407744.1 and 20 more transcripts); c.3862del, p.Gln1288fs (NM_001407894.1, NM_001407895.1, NM_001407896.1 and 9 more transcripts); c.3934del, p.Gln1312fs (NM_001407944.1, NM_001407945.1, NM_001407750.1 and 29 more transcripts); c.3742del, p.Gln1248fs (NM_001407946.1, NM_001407947.1, NM_001407948.1 and 6 more transcripts); c.3865del, p.Gln1289fs (NM_001407900.1, NM_001407902.1, NM_001407904.1 and 13 more transcripts); c.4075del, p.Gln1359fs (NM_001407684.1, NM_001407854.1, NM_001407858.1 and 30 more transcripts); c.3949del, p.Gln1317fs (NM_001407685.1, NM_001407686.1, NM_001407687.1 and 11 more transcripts); and 41 more; short protein forms Q1312fs, Q1359fs, Q1288fs, Q1311fs, Q1356fs, Q1063fs, Q1191fs, Q1231fs.
Identifiers: ClinVar variation 2014269 (VCV002014269.5), dbSNP rs2536299835, ClinGen allele CA2580094053.

ClinVar aggregate classification (germline): Pathogenic. Review status: criteria provided, multiple submitters, no conflicts (2 of 4 stars). 2 submissions from 2 submitters: Pathogenic (2). Last evaluated 2023-01-17.

Conditions:
Breast-ovarian cancer, familial, susceptibility to, 1 (BROVCA1). Also called: BRCA1 Hereditary Breast and Ovarian Cancer; OVARIAN CANCER, SUSCEPTIBILITY TO. Identifiers: Orphanet 145, MedGen C2676676, MONDO:0011450, OMIM 604370. Disease mechanism: loss of function.
Hereditary breast ovarian cancer syndrome. Also called: Hereditary breast and ovarian cancer syndrome (HBOC); Breast and ovarian cancer; Hereditary breast and/or ovarian cancer syndrome; BRCA1- and BRCA2-Associated Hereditary Breast and Ovarian Cancer; Hereditary breast and ovarian cancer; Hereditary breast and ovarian cancer syndrome. Identifiers: Orphanet 145, MedGen C0677776, MeSH D061325, MONDO:0003582. Disease mechanism: loss of function.

Submissions (2):

Myriad Genetics, Inc.
Classification: Pathogenic for Breast-ovarian cancer, familial, susceptibility to, 1. Last evaluated: 2023-01-17. Review status: criteria provided, single submitter. Criteria: Myriad Autosomal Dominant, Autosomal Recessive and X-Linked Classification Criteria (2023). Collection method: clinical testing. Allele origin: unknown.
Comment: This variant is considered pathogenic. This variant creates a frameshift predicted to result in premature protein truncation.

Labcorp Genetics (formerly Invitae), Labcorp
Classification: Pathogenic for Hereditary breast ovarian cancer syndrome. Last evaluated: 2022-11-09. Review status: criteria provided, single submitter. Criteria: Invitae Variant Classification Sherloc (09022015). Collection method: clinical testing. Allele origin: germline.
Comment: This variant has not been reported in the literature in individuals affected with BRCA1-related conditions. This variant is not present in population databases (gnomAD no frequency). This sequence change creates a premature translational stop signal (p.Gln1359Lysfs*7) in the BRCA1 gene. It is expected to result in an absent or disrupted protein product. Loss-of-function variants in BRCA1 are known to be pathogenic (PMID: 20104584). For these reasons, this variant has been classified as Pathogenic.

Literature cited by the submitters: PubMed 20104584 (cited by Labcorp Genetics (formerly Invitae), Labcorp).